The following is an entry in ClinVar:

ClinVar aggregate classification (germline): Benign. Review status: criteria provided, multiple submitters, no conflicts (2 of 4 stars). 3 submissions from 3 submitters: Benign (2). 1 of the submissions does not count toward it. Last evaluated 2026-02-03.

Allele frequency attached by ClinVar (database versions not stated): 1000 Genomes Project 30x 0.03045; 1000 Genomes Project 0.03195; TOPMed 0.03724; gnomAD 0.03829 and 0.03962; ESP Exome Variant Server 0.04213; gnomAD exomes 0.04858 and 0.05471; ExAC 0.04993.
gnomAD v4.1: 85,831 of 1,611,590 alleles (5.3%); highest among the groups gnomAD compares: Middle Eastern, 9.3%; 2,662 homozygotes.

Submissions 1 to 31 of 129:

Labcorp Genetics (formerly Invitae), Labcorp
Classification: Benign. Last evaluated: 2026-02-03. Review status: criteria provided, single submitter. Criteria: Invitae Variant Classification Sherloc (09022015). Collection method: clinical testing. Allele origin: germline.

GeneDx
Classification: Benign. Last evaluated: 2013-11-13. Review status: criteria provided, single submitter. Criteria: GeneDx Variant Classification (06012015). Collection method: clinical testing. Allele origin: germline. Affected: yes.
Comment: This variant is considered likely benign or benign based on one or more of the following criteria: it is a conservative change, it occurs at a poorly conserved position in the protein, it is predicted to be benign by multiple in silico algorithms, and/or has population frequency not consistent with disease.

Mayo Clinic Laboratories, Mayo Clinic
Classification: Benign. Last evaluated: 2016-02-22. Review status: no assertion criteria provided. Collection method: clinical testing. Allele origin: unknown. Not counted in ClinVar's aggregate classification.

Dr. Peter K. Rogan Lab, Western University
No classification provided (evidence only). Condition: Familial cancer of breast. Review status: no classification provided. Collection method: in vitro. Allele origin: not applicable. Functional consequence: retained intron. Not counted in ClinVar's aggregate classification.

Dr. Peter K. Rogan Lab, Western University
No classification provided (evidence only). Condition: Colon adenocarcinoma. Review status: no classification provided. Collection method: in vitro. Allele origin: not applicable. Functional consequence: retained intron. Not counted in ClinVar's aggregate classification.

Dr. Peter K. Rogan Lab, Western University
No classification provided (evidence only). Condition: Colon adenocarcinoma. Review status: no classification provided. Collection method: in vitro. Allele origin: not applicable. Functional consequence: skipped exon, retained intron. Not counted in ClinVar's aggregate classification.

Dr. Peter K. Rogan Lab, Western University
No classification provided (evidence only). Condition: Colon adenocarcinoma. Review status: no classification provided. Collection method: in vitro. Allele origin: not applicable. Functional consequence: retained intron. Not counted in ClinVar's aggregate classification.

Dr. Peter K. Rogan Lab, Western University
No classification provided (evidence only). Condition: Colon adenocarcinoma. Review status: no classification provided. Collection method: in vitro. Allele origin: not applicable. Functional consequence: skipped exon, retained intron. Not counted in ClinVar's aggregate classification.

Dr. Peter K. Rogan Lab, Western University
No classification provided (evidence only). Condition: Colon adenocarcinoma. Review status: no classification provided. Collection method: in vitro. Allele origin: not applicable. Functional consequence: retained intron. Not counted in ClinVar's aggregate classification.

Dr. Peter K. Rogan Lab, Western University
No classification provided (evidence only). Condition: Colon adenocarcinoma. Review status: no classification provided. Collection method: in vitro. Allele origin: not applicable. Functional consequence: skipped exon. Not counted in ClinVar's aggregate classification.

Dr. Peter K. Rogan Lab, Western University
No classification provided (evidence only). Condition: Colon adenocarcinoma. Review status: no classification provided. Collection method: in vitro. Allele origin: not applicable. Functional consequence: skipped exon, retained intron. Not counted in ClinVar's aggregate classification.

Dr. Peter K. Rogan Lab, Western University
No classification provided (evidence only). Condition: Colon adenocarcinoma. Review status: no classification provided. Collection method: in vitro. Allele origin: not applicable. Functional consequence: retained intron. Not counted in ClinVar's aggregate classification.

Dr. Peter K. Rogan Lab, Western University
No classification provided (evidence only). Condition: Colon adenocarcinoma. Review status: no classification provided. Collection method: in vitro. Allele origin: not applicable. Functional consequence: retained intron. Not counted in ClinVar's aggregate classification.

Dr. Peter K. Rogan Lab, Western University
No classification provided (evidence only). Condition: Colon adenocarcinoma. Review status: no classification provided. Collection method: in vitro. Allele origin: not applicable. Functional consequence: retained intron. Not counted in ClinVar's aggregate classification.

Dr. Peter K. Rogan Lab, Western University
No classification provided (evidence only). Condition: Colon adenocarcinoma. Review status: no classification provided. Collection method: in vitro. Allele origin: not applicable. Functional consequence: retained intron. Not counted in ClinVar's aggregate classification.

Dr. Peter K. Rogan Lab, Western University
No classification provided (evidence only). Condition: Colon adenocarcinoma. Review status: no classification provided. Collection method: in vitro. Allele origin: not applicable. Functional consequence: retained intron. Not counted in ClinVar's aggregate classification.

Dr. Peter K. Rogan Lab, Western University
No classification provided (evidence only). Condition: Colon adenocarcinoma. Review status: no classification provided. Collection method: in vitro. Allele origin: not applicable. Functional consequence: skipped exon, retained intron. Not counted in ClinVar's aggregate classification.

Dr. Peter K. Rogan Lab, Western University
No classification provided (evidence only). Condition: Colon adenocarcinoma. Review status: no classification provided. Collection method: in vitro. Allele origin: not applicable. Functional consequence: retained intron. Not counted in ClinVar's aggregate classification.

Dr. Peter K. Rogan Lab, Western University
No classification provided (evidence only). Condition: Colon adenocarcinoma. Review status: no classification provided. Collection method: in vitro. Allele origin: not applicable. Functional consequence: retained intron. Not counted in ClinVar's aggregate classification.

Dr. Peter K. Rogan Lab, Western University
No classification provided (evidence only). Condition: Colon adenocarcinoma. Review status: no classification provided. Collection method: in vitro. Allele origin: not applicable. Functional consequence: retained intron. Not counted in ClinVar's aggregate classification.

Dr. Peter K. Rogan Lab, Western University
No classification provided (evidence only). Condition: Colon adenocarcinoma. Review status: no classification provided. Collection method: in vitro. Allele origin: not applicable. Functional consequence: skipped exon, retained intron. Not counted in ClinVar's aggregate classification.

Dr. Peter K. Rogan Lab, Western University
No classification provided (evidence only). Condition: Colon adenocarcinoma. Review status: no classification provided. Collection method: in vitro. Allele origin: not applicable. Functional consequence: retained intron. Not counted in ClinVar's aggregate classification.

Dr. Peter K. Rogan Lab, Western University
No classification provided (evidence only). Condition: Colorectal cancer. Review status: no classification provided. Collection method: in vitro. Allele origin: not applicable. Functional consequence: retained intron. Not counted in ClinVar's aggregate classification.

Dr. Peter K. Rogan Lab, Western University
No classification provided (evidence only). Condition: Colorectal cancer. Review status: no classification provided. Collection method: in vitro. Allele origin: not applicable. Functional consequence: retained intron. Not counted in ClinVar's aggregate classification.

Dr. Peter K. Rogan Lab, Western University
No classification provided (evidence only). Condition: Colorectal cancer. Review status: no classification provided. Collection method: in vitro. Allele origin: not applicable. Functional consequence: retained intron. Not counted in ClinVar's aggregate classification.

Dr. Peter K. Rogan Lab, Western University
No classification provided (evidence only). Condition: Colorectal cancer. Review status: no classification provided. Collection method: in vitro. Allele origin: not applicable. Functional consequence: retained intron. Not counted in ClinVar's aggregate classification.

Dr. Peter K. Rogan Lab, Western University
No classification provided (evidence only). Condition: Colorectal cancer. Review status: no classification provided. Collection method: in vitro. Allele origin: not applicable. Functional consequence: retained intron. Not counted in ClinVar's aggregate classification.

Dr. Peter K. Rogan Lab, Western University
No classification provided (evidence only). Condition: Uterine corpus endometrial carcinoma. Review status: no classification provided. Collection method: in vitro. Allele origin: not applicable. Functional consequence: retained intron. Not counted in ClinVar's aggregate classification.

Dr. Peter K. Rogan Lab, Western University
No classification provided (evidence only). Condition: Uterine corpus endometrial carcinoma. Review status: no classification provided. Collection method: in vitro. Allele origin: not applicable. Functional consequence: retained intron. Not counted in ClinVar's aggregate classification.

Dr. Peter K. Rogan Lab, Western University
No classification provided (evidence only). Condition: Uterine corpus endometrial carcinoma. Review status: no classification provided. Collection method: in vitro. Allele origin: not applicable. Functional consequence: skipped exon, retained intron. Not counted in ClinVar's aggregate classification.

Dr. Peter K. Rogan Lab, Western University
No classification provided (evidence only). Condition: Uterine corpus endometrial carcinoma. Review status: no classification provided. Collection method: in vitro. Allele origin: not applicable. Functional consequence: retained intron. Not counted in ClinVar's aggregate classification.

NM_016098.4(MPC1):c.303C>T (p.His101=)

Gene: MPC1 (mitochondrial pyruvate carrier 1; minus strand). Cytogenetic location: 6q27.
Variant type: single nucleotide variant.
Coding change: c.303C>T on transcript NM_016098.4 (MANE Select); coding-DNA position 303, C replaced by T.
Protein change: p.His101=; no amino-acid change (histidine 101 retained).
Molecular consequence: synonymous variant. On other transcripts: 3 prime UTR variant (1), non-coding transcript variant (4).
Genome position (GRCh38, 1-based): chr6:166,365,976, G>A on the plus strand (C>T on the coding strand, the complement: MPC1 is on the minus strand). VCF-style: chr6-166365976-G-A. GRCh37 (hg19) VCF-style: chr6-166779464-G-A.
Other names: p.H101H:CAC>CAT; c.174C>T, p.His58= (NM_001270879.2, NM_001376565.1, NM_001376566.1 and 2 more transcripts); c.*40C>T (NM_001376569.1).
Identifiers: ClinVar variation 138241 (VCV000138241.14), dbSNP rs12205572, ClinGen allele CA292123.